The following is an entry in ClinVar:

ClinVar aggregate classification (germline): Benign. Review status: criteria provided, multiple submitters, no conflicts (2 of 4 stars). 5 submissions from 5 submitters: Benign (5). Last evaluated 2026-02-04.

Allele frequency attached by ClinVar (database versions not stated): 1000 Genomes Project 0.10863; gnomAD exomes 0.15970 and 0.19267; 1000 Genomes Project 30x 0.11321; gnomAD 0.16197 and 0.16591; TOPMed 0.15300; ESP Exome Variant Server 0.17292; ExAC 0.16241.
gnomAD v4.1: 304,154 of 1,607,316 alleles (19%); highest among the groups gnomAD compares: Non-Finnish European, 21%; 30,923 homozygotes.

Submissions (5):

Labcorp Genetics (formerly Invitae), Labcorp
Classification: Benign. Last evaluated: 2026-02-04. Review status: criteria provided, single submitter. Criteria: Invitae Variant Classification Sherloc (09022015). Collection method: clinical testing. Allele origin: germline.

Women's Health and Genetics/Laboratory Corporation of America, LabCorp
Classification: Benign. Last evaluated: 2026-01-21. Review status: criteria provided, single submitter. Criteria: LabCorp Variant Classification Summary - May 2015. Collection method: clinical testing. Allele origin: germline.

Unidad de Genómica Garrahan, Hospital de Pediatría Garrahan
Classification: Benign. Last evaluated: 2024-01-24. Review status: criteria provided, single submitter. Criteria: ACMG Guidelines, 2015. Collection method: clinical testing. Allele origin: germline. Affected: no. Observed: 33 variant alleles.
Comment: This variant is classified as Benign based on local population frequency. This variant was detected in 35% of patients studied by a panel of primary immunodeficiencies. Number of patients: 33. Only high quality variants are reported.

Mayo Clinic Laboratories, Mayo Clinic
Classification: Benign. Last evaluated: 2018-05-16. Review status: criteria provided, single submitter. Criteria: ACMG Guidelines, 2015. Collection method: clinical testing. Allele origin: germline. Observed: 53 variant alleles.

Breakthrough Genomics
Classification: Benign. Review status: criteria provided, single submitter. Criteria: ACMG Guidelines, 2015. Collection method: not provided. Allele origin: germline. Inheritance: Autosomal recessive inheritance. Affected: yes.

NM_003200.5(TCF3):c.1823-8C>T

Gene: TCF3 (transcription factor 3; minus strand). Cytogenetic location: 19p13.3.
Variant type: single nucleotide variant.
Coding change: c.1823-8C>T on transcript NM_003200.5 (MANE Select); 8 bases into the intron before coding-DNA position 1823, C replaced by T.
Molecular consequence: intron variant.
Genome position (GRCh38, 1-based): chr19:1,611,857, G>A on the plus strand (C>T on the coding strand, the complement: TCF3 is on the minus strand). VCF-style: chr19-1611857-G-A. GRCh37 (hg19) VCF-style: chr19-1611856-G-A.
Other names: p.?; c.1820-8C>T (NM_001351778.2); c.1814-8C>T (NM_001136139.4, NM_001351779.2).
Identifiers: ClinVar variation 1169439 (VCV001169439.14), dbSNP rs62130064, ClinGen allele CA9049528.